The following is an entry in ClinVar:

ClinVar aggregate classification (germline): Likely benign. Review status: criteria provided, single submitter (1 of 4 stars). 2 submissions from 2 submitters: Likely benign (1). 1 of the submissions does not count toward it. Last evaluated 2024-11-28.

Conditions:
DNAH9-related disorder. Also called: DNAH9-related condition.

Allele frequency attached by ClinVar (database versions not stated): gnomAD exomes 0.00298; TOPMed 0.00398; gnomAD 0.00401; 1000 Genomes Project 30x 0.01889; 1000 Genomes Project 0.02017; ExAC 0.14946.
gnomAD v4.1: 4,573 of 1,366,578 alleles (0.33%); highest among the groups gnomAD compares: East Asian, 9%; 193 homozygotes.

Submissions (2):

Blueprint Genetics
Classification: Likely benign. Last evaluated: 2024-11-28. Review status: criteria provided, single submitter. Criteria: ACMG Guidelines, 2015. Collection method: clinical testing. Allele origin: germline.

PreventionGenetics, part of Exact Sciences
Classification: Benign for DNAH9-related condition. Last evaluated: 2019-06-18. Review status: no assertion criteria provided. Collection method: clinical testing. Allele origin: germline. Not counted in ClinVar's aggregate classification.
Comment: This variant is classified as benign based on ACMG/AMP sequence variant interpretation guidelines (Richards et al. 2015 PMID: 25741868, with internal and published modifications).

NM_001372.4(DNAH9):c.-2C>T

Gene: DNAH9 (dynein axonemal heavy chain 9; plus strand). Cytogenetic location: 17p12.
Variant type: single nucleotide variant.
Coding change: c.-2C>T on transcript NM_001372.4 (MANE Select); 2 bases upstream of the start codon, C replaced by T.
Molecular consequence: 5 prime UTR variant.
Genome position (GRCh38, 1-based): chr17:11,598,497, C>T. VCF-style: chr17-11598497-C-T. GRCh37 (hg19) VCF-style: chr17-11501814-C-T.
Identifiers: ClinVar variation 3044413 (VCV003044413.3), dbSNP rs12604013, ClinGen allele CA8394440.